The following is an entry in ClinVar:

ClinVar aggregate classification (germline): Benign/Likely benign. Review status: criteria provided, multiple submitters, no conflicts (2 of 4 stars). 2 submissions from 2 submitters: Benign (1); Likely benign (1). Last evaluated 2026-04-23.

Conditions:
Colorectal cancer, susceptibility to, 1. Also called: COLORECTAL ADENOMA AND CANCER, SUSCEPTIBILITY TO; COLORECTAL CANCER, SUSCEPTIBILITY TO, ON CHROMOSOME 9. Identifiers: MedGen C1837315, MONDO:0012132, OMIM 608812.

Allele frequency attached by ClinVar (database versions not stated): gnomAD exomes below 0.00001.
gnomAD v4.1: 2 of 1,611,010 alleles (0.00012%); highest among the groups gnomAD compares: Non-Finnish European, 0.00017%; no homozygotes.

Submissions (2):

Myriad Genetics, Inc.
Classification: Benign for Colorectal cancer, susceptibility to, 1. Last evaluated: 2026-04-23. Review status: criteria provided, single submitter. Criteria: Myriad Autosomal Dominant, Autosomal Recessive and X-Linked Classification Criteria (2023). Collection method: clinical testing. Allele origin: unknown.
Comment: This variant is considered benign. This variant is a silent/synonymous amino acid change and it is not expected to impact splicing.

Ambry Genetics
Classification: Likely benign. Last evaluated: 2022-02-22. Review status: criteria provided, single submitter. Criteria: Ambry Variant Classification Scheme 2023. Collection method: clinical testing. Allele origin: germline.

NM_024642.5(GALNT12):c.543G>A (p.Glu181=)

Gene: GALNT12 (polypeptide N-acetylgalactosaminyltransferase 12; plus strand). Cytogenetic location: 9q22.33.
Variant type: single nucleotide variant.
Coding change: c.543G>A on transcript NM_024642.5 (MANE Select); coding-DNA position 543, G replaced by A.
Protein change: p.Glu181=; no amino-acid change (glutamic acid 181 retained).
Molecular consequence: synonymous variant.
Genome position (GRCh38, 1-based): chr9:98,826,753, G>A. VCF-style: chr9-98826753-G-A. GRCh37 (hg19) VCF-style: chr9-101589035-G-A.
Identifiers: ClinVar variation 1747548 (VCV001747548.3), dbSNP rs1240735465, ClinGen allele CA466423729.